The following is an entry in ClinVar:

NM_194248.3(OTOF):c.3178del (p.Ala1060fs)

Gene: OTOF (otoferlin; minus strand). Cytogenetic location: 2p23.3.
Variant type: Deletion.
Coding change: c.3178del on transcript NM_194248.3 (MANE Select); coding-DNA position 3178, one base deleted (G; older notation c.3178delG).
Protein change: p.Ala1060fs; shifts the reading frame from alanine 1060.
Molecular consequence: frameshift variant.
Genome position (GRCh38, 1-based): chr2:26,474,623, C deleted on the plus strand (G on the coding strand, the reverse complement: OTOF is on the minus strand); the first of 2 consecutive C bases (chr2:26,474,623-26,474,624); deleting either gives the same sequence. VCF-style (leftmost placement, unchanged base first): chr2-26474622-GC-G. GRCh37 (hg19) VCF-style: chr2-26697490-GC-G.
Other names: c.3178del, p.Ala1060fs (NM_001287489.2); c.937del, p.Ala313fs (NM_004802.4, NM_194323.3); c.1108del, p.Ala370fs (NM_194322.3); short protein forms A313fs, A370fs, A1060fs.
Identifiers: ClinVar variation 179115 (VCV000179115.8), dbSNP rs727504639, ClinGen allele CA273582.

ClinVar aggregate classification (germline): Pathogenic. Review status: criteria provided, multiple submitters, no conflicts (2 of 4 stars). 2 submissions from 2 submitters: Pathogenic (2). Last evaluated 2023-12-09.

Conditions:
Rare genetic deafness. Identifiers: Orphanet 96210, MedGen C5680250.

Submissions (2):

Labcorp Genetics (formerly Invitae), Labcorp
Classification: Pathogenic. Last evaluated: 2023-12-09. Review status: criteria provided, single submitter. Criteria: Invitae Variant Classification Sherloc (09022015). Collection method: clinical testing. Allele origin: germline.
Comment: This sequence change creates a premature translational stop signal (p.Ala1060Glnfs*86) in the OTOF gene. It is expected to result in an absent or disrupted protein product. Loss-of-function variants in OTOF are known to be pathogenic (PMID: 18381613, 19250381, 22575033). This variant is not present in population databases (gnomAD no frequency). This variant has not been reported in the literature in individuals affected with OTOF-related conditions. ClinVar contains an entry for this variant (Variation ID: 179115). For these reasons, this variant has been classified as Pathogenic.

Laboratory for Molecular Medicine, Mass General Brigham Personalized Medicine
Classification: Pathogenic for Rare genetic deafness. Last evaluated: 2013-08-01. Review status: criteria provided, single submitter. Criteria: LMM Criteria. Collection method: clinical testing. Allele origin: germline. Inheritance: Autosomal recessive inheritance. Observed: 1 variant allele.
Comment: The Ala1060fs variant in OTOF has not been reported in individuals with hearing loss or in large population studies. This frameshift variant is predicted to alt er the protein?s amino acid sequence beginning at position 1060 and lead to a pr emature termination codon 86 amino acids downstream. This alteration is then pre dicted to lead to a truncated or absent protein. In summary, this variant meets our criteria to be classified as pathogenic.

Literature cited by the submitters: PubMed 18381613 (cited by Labcorp Genetics (formerly Invitae), Labcorp); PubMed 19250381 (cited by Labcorp Genetics (formerly Invitae), Labcorp); PubMed 22575033 (cited by Labcorp Genetics (formerly Invitae), Labcorp).